The following is an entry in ClinVar:

NM_001378183.1(PIEZO2):c.5948T>A (p.Ile1983Asn)

Gene: PIEZO2 (piezo type mechanosensitive ion channel component 2; minus strand). Cytogenetic location: 18p11.22.
Variant type: single nucleotide variant.
Coding change: c.5948T>A on transcript NM_001378183.1 (MANE Select); coding-DNA position 5948, T replaced by A.
Protein change: p.Ile1983Asn; replaces isoleucine 1983 with asparagine.
Molecular consequence: missense variant.
Genome position (GRCh38, 1-based): chr18:10,705,387, A>T on the plus strand (T>A on the coding strand, the complement: PIEZO2 is on the minus strand). VCF-style: chr18-10705387-A-T. GRCh37 (hg19) VCF-style: chr18-10705385-A-T.
Other names: c.5684T>A, p.Ile1895Asn (NM_001410871.1); c.5609T>A, p.Ile1870Asn (NM_022068.4); short protein forms I1870N, I1895N, I1983N.
Identifiers: ClinVar variation 3376779 (VCV003376779.1).

ClinVar aggregate classification (germline): Uncertain significance (1 of 4 stars; one submission).

Conditions:
Arthrogryposis, distal, with impaired proprioception and touch (DAIPT). Identifiers: MedGen C4310692, MONDO:0014941, OMIM 617146.

gnomAD v4.1: 16 of 1,537,176 alleles (0.001%); highest among the groups gnomAD compares: Non-Finnish European, 0.0013%; no homozygotes.

Submission:

Victorian Clinical Genetics Services, Murdoch Childrens Research Institute
Classification: Uncertain significance for Arthrogryposis, distal, with impaired proprioception and touch. Last evaluated: 2023-07-16. Review status: criteria provided, single submitter. Criteria: ACMG Guidelines, 2015. Collection method: clinical testing. Allele origin: germline. Inheritance: Autosomal recessive inheritance. Affected: yes.
Comment: Based on the classification scheme VCGS_Germline_v1.3.4, this variant is classified as VUS-3B. Following criteria are met: 0103 - Loss of function and gain of function are known mechanisms of disease in this gene and are associated with arthrogryposis. Loss of function has generally been shown to be caused by NMD variants, whereas gain of function has generally been associated with missense variants clustered in the C-terminal region (PMID: 30988732). (I) 0108 - This gene is associated with both recessive and dominant disease. NMD variants are associated with recessive disease, while missense variants are associated with dominant disease (PMID: 30988732). The phenotypes have been recently regarded as etiologically related (PMID: 24726473). (I) 0200 - Variant is predicted to result in a missense amino acid change from isoleucine to asparagine. (I) 0251 - This variant is heterozygous. (I) 0301 - Variant is absent from gnomAD (both v2 and v3). (SP) 0309 - An alternative amino acid change at the same position has been observed in gnomAD (v2) (1 heterozygote, 0 homozygotes). (I) 0502 - Missense variant with conflicting in silico predictions and uninformative conservation. (I) 0604 - Variant is not located in an established domain, motif, hotspot or informative constraint region. (I) 0705 - No comparable missense variants have previous evidence for pathogenicity. (I) 0807 - This variant has no previous evidence of pathogenicity. (I) 0905 - No published segregation evidence has been identified for this variant. (I) 1007 - No published functional evidence has been identified for this variant. (I) 1208 - Inheritance information for this variant is not currently available in this individual. (I) Legend: (SP) - Supporting pathogenic, (I) - Information, (SB) - Supporting benign

Literature cited by the submitters: PubMed 24726473; PubMed 30988732.